The following is an entry in ClinVar:

ClinVar aggregate classification (germline): Likely benign. Review status: criteria provided, single submitter (1 of 4 stars). 2 submissions from 2 submitters: Likely benign (1). 1 of the submissions does not count toward it. Last evaluated 2023-11-06.

Conditions:
ABCC2-related disorder. Also called: ABCC2-related condition.

Allele frequency attached by ClinVar (database versions not stated): ExAC 0.00001; TOPMed 0.00001; gnomAD 0.00002; gnomAD exomes 0.00004.
gnomAD v4.1: 63 of 1,613,986 alleles (0.0039%); highest among the groups gnomAD compares: Non-Finnish European, 0.0053%; no homozygotes.

Submissions (2):

Labcorp Genetics (formerly Invitae), Labcorp
Classification: Likely benign. Last evaluated: 2023-11-06. Review status: criteria provided, single submitter. Criteria: Invitae Variant Classification Sherloc (09022015). Collection method: clinical testing. Allele origin: germline.

PreventionGenetics, part of Exact Sciences
Classification: Likely benign for ABCC2-related condition. Last evaluated: 2024-08-19. Review status: no assertion criteria provided. Collection method: clinical testing. Allele origin: germline. Not counted in ClinVar's aggregate classification.
Comment: This variant is classified as likely benign based on ACMG/AMP sequence variant interpretation guidelines (Richards et al. 2015 PMID: 25741868, with internal and published modifications).

NM_000392.5(ABCC2):c.780G>A (p.Arg260=)

Gene: ABCC2 (ATP binding cassette subfamily C member 2; plus strand). Cytogenetic location: 10q24.2.
Variant type: single nucleotide variant.
Coding change: c.780G>A on transcript NM_000392.5 (MANE Select); coding-DNA position 780, G replaced by A.
Protein change: p.Arg260=; no amino-acid change (arginine 260 retained).
Molecular consequence: synonymous variant.
Genome position (GRCh38, 1-based): chr10:99,797,244, G>A. VCF-style: chr10-99797244-G-A. GRCh37 (hg19) VCF-style: chr10-101557001-G-A.
Other names: c.780G>A (NM_000392.4).
Identifiers: ClinVar variation 2961714 (VCV002961714.4), dbSNP rs761506843, ClinGen allele CA5642994.
Genomic context (GRCh38, chr10:99,797,244, plus strand): 5'-CAAGTTTGAAACGCACATGAAGAGAGAGCTGCAGAAAGCCAGGCGGGCACTCCAGAGACG[G>A]CAGGAGAAGAGCTCCCAGCAGAACTCTGGAGCCAGGCTGCCTGGCTTGAACAAGAATCAG-3'
Protein context (NP_000383.2, residues 250-270): LQKARRALQR[Arg260=]QEKSSQQNSG